The following is an entry in ClinVar:

NM_005896.4(IDH1):c.274T>C (p.Trp92Arg)

Gene: IDH1 (isocitrate dehydrogenase (NADP(+)) 1; minus strand). Cytogenetic location: 2q34.
Variant type: single nucleotide variant.
Coding change: c.274T>C on transcript NM_005896.4 (MANE Select); coding-DNA position 274, T replaced by C.
Protein change: p.Trp92Arg; replaces tryptophan 92 with arginine.
Molecular consequence: missense variant.
Genome position (GRCh38, 1-based): chr2:208,248,509, A>G on the plus strand (T>C on the coding strand, the complement: IDH1 is on the minus strand). VCF-style: chr2-208248509-A-G. GRCh37 (hg19) VCF-style: chr2-209113233-A-G.
Other names: c.274T>C, p.Trp92Arg (NM_001282386.1, NM_001282387.1); short protein forms W92R.
Identifiers: ClinVar variation 1795553 (VCV001795553.2), dbSNP rs1048933669, ClinGen allele CA64588216.

ClinVar aggregate classification (germline): Uncertain significance (1 of 4 stars; one submission).

gnomAD v4.1: 4 of 1,613,990 alleles (0.00025%); highest among the groups gnomAD compares: African/African-American, 0.0053%; no homozygotes.

Submission:

Ambry Genetics
Classification: Uncertain significance. Last evaluated: 2022-05-20. Review status: criteria provided, single submitter. Criteria: Ambry Variant Classification Scheme 2023. Collection method: clinical testing. Allele origin: germline.
Comment: The p.W92R variant (also known as c.274T>C), located in coding exon 2 of the IDH1 gene, results from a T to C substitution at nucleotide position 274. The tryptophan at codon 92 is replaced by arginine, an amino acid with dissimilar properties. This amino acid position is conserved. In addition, this alteration is predicted to be deleterious by in silico analysis. Since supporting evidence is limited at this time, the clinical significance of this alteration remains unclear.